The following is an entry in ClinVar:

ClinVar aggregate classification (germline): Uncertain significance. Review status: criteria provided, multiple submitters, no conflicts (2 of 4 stars). 2 submissions from 2 submitters: Uncertain significance (2). Last evaluated 2024-07-06.

Conditions:
Early Myoclonic Encephalopathy. Identifiers: MedGen C0270855.

Allele frequency attached by ClinVar (database versions not stated): gnomAD exomes below 0.00001 and 0.00001; TOPMed below 0.00001; ExAC 0.00002.
gnomAD v4.1: 5 of 1,613,802 alleles (0.00031%); highest among the groups gnomAD compares: Admixed American, 0.0033%; no homozygotes.

Submissions (2):

Ambry Genetics
Classification: Uncertain significance. Last evaluated: 2024-07-06. Review status: criteria provided, single submitter. Criteria: Ambry Variant Classification Scheme 2023. Collection method: clinical testing. Allele origin: germline.

Labcorp Genetics (formerly Invitae), Labcorp
Classification: Uncertain significance for Early Myoclonic Encephalopathy. Last evaluated: 2024-01-08. Review status: criteria provided, single submitter. Criteria: Invitae Variant Classification Sherloc (09022015). Collection method: clinical testing. Allele origin: germline.
Comment: This sequence change replaces leucine, which is neutral and non-polar, with valine, which is neutral and non-polar, at codon 574 of the JMJD1C protein (p.Leu574Val). This variant is present in population databases (rs749418791, gnomAD 0.006%). This variant has not been reported in the literature in individuals affected with JMJD1C-related conditions. ClinVar contains an entry for this variant (Variation ID: 1493632). Advanced modeling of protein sequence and biophysical properties (such as structural, functional, and spatial information, amino acid conservation, physicochemical variation, residue mobility, and thermodynamic stability) performed at Invitae indicates that this missense variant is not expected to disrupt JMJD1C protein function with a negative predictive value of 80%. In summary, the available evidence is currently insufficient to determine the role of this variant in disease. Therefore, it has been classified as a Variant of Uncertain Significance.

NM_032776.3(JMJD1C):c.1720C>G (p.Leu574Val)

Gene: JMJD1C (jumonji domain containing 1C; minus strand). Cytogenetic location: 10q21.3.
Variant type: single nucleotide variant.
Coding change: c.1720C>G on transcript NM_032776.3 (MANE Select); coding-DNA position 1720, C replaced by G.
Protein change: p.Leu574Val; replaces leucine 574 with valine.
Molecular consequence: missense variant. On other transcripts: non-coding transcript variant (1).
Genome position (GRCh38, 1-based): chr10:63,214,447, G>C on the plus strand (C>G on the coding strand, the complement: JMJD1C is on the minus strand). VCF-style: chr10-63214447-G-C. GRCh37 (hg19) VCF-style: chr10-64974207-G-C.
Other names: c.1720C>G (NM_032776.1); c.1174C>G, p.Leu392Val (NM_001282948.2, NM_001318154.2); c.856C>G, p.Leu286Val (NM_001318153.2); c.1606C>G, p.Leu536Val (NM_001322252.2); c.1063C>G, p.Leu355Val (NM_001322254.2, NM_001322258.2); short protein forms L286V, L355V, L392V, L574V, L536V.
Identifiers: ClinVar variation 1493632 (VCV001493632.9), dbSNP rs749418791, ClinGen allele CA5518760.
Genomic context (GRCh38, chr10:63,214,447, plus strand): 5'-CTTTTTCCATGTTCAAGTGATCATTTCCTGAAGAAGCATTTGTAACACTTGATTGGGTTA[G>C]ATCCACTTTAACTACATCACTGACCCAGCTCTGGTCAGAATCTTTTTTTGCTGTTTCCAA-3'
Protein context (NP_116165.1, residues 564-584): SWVSDVVKVD[Leu574Val]TQSSVTNASS